The following is an entry in ClinVar:

ClinVar aggregate classification (germline): Uncertain significance (1 of 4 stars; one submission).

Allele frequency attached by ClinVar (database versions not stated): TOPMed below 0.00001.

Submission:

Labcorp Genetics (formerly Invitae), Labcorp
Classification: Uncertain significance. Last evaluated: 2023-05-10. Review status: criteria provided, single submitter. Criteria: Invitae Variant Classification Sherloc (09022015). Collection method: clinical testing. Allele origin: germline.
Comment: This sequence change replaces asparagine, which is neutral and polar, with aspartic acid, which is acidic and polar, at codon 92 of the TNFRSF6B protein (p.Asn92Asp). This variant is not present in population databases (gnomAD no frequency). This variant has not been reported in the literature in individuals affected with TNFRSF6B-related conditions. ClinVar contains an entry for this variant (Variation ID: 1014937). An algorithm developed to predict the effect of missense changes on protein structure and function (PolyPhen-2) suggests that this variant is likely to be disruptive. In summary, the available evidence is currently insufficient to determine the role of this variant in disease. Therefore, it has been classified as a Variant of Uncertain Significance.

NM_003823.4(TNFRSF6B):c.274A>G (p.Asn92Asp)

Genes: TNFRSF6B (TNF receptor superfamily member 6b; plus strand), RTEL1-TNFRSF6B (RTEL1-TNFRSF6B readthrough (NMD candidate); plus strand). Cytogenetic location: 20q13.33.
Variant type: single nucleotide variant.
Coding change: c.274A>G on transcript NM_003823.4 (MANE Select); coding-DNA position 274, A replaced by G.
Protein change: p.Asn92Asp; replaces asparagine 92 with aspartic acid.
Molecular consequence: missense variant. On other transcripts: non-coding transcript variant (1).
Genome position (GRCh38, 1-based): chr20:63,697,041, A>G. VCF-style: chr20-63697041-A-G. GRCh37 (hg19) VCF-style: chr20-62328394-A-G.
Other names: short protein forms N92D.
Identifiers: ClinVar variation 1014937 (VCV001014937.8), dbSNP rs2090996589, ClinGen allele CA409711108.